The following is an entry in ClinVar:

ClinVar aggregate classification (germline): Uncertain significance (1 of 4 stars; one submission).

Conditions:
Hereditary cancer-predisposing syndrome. Also called: Neoplastic Syndromes, Hereditary; Tumor predisposition; Hereditary neoplastic syndrome; Hereditary Cancer Syndrome. Identifiers: Orphanet 140162, MedGen C0027672, MeSH D009386, MONDO:0015356.

Submission:

Ambry Genetics
Classification: Uncertain significance for Hereditary cancer-predisposing syndrome. Last evaluated: 2026-07-06. Review status: criteria provided, single submitter. Criteria: Ambry Variant Classification Scheme 2023. Collection method: clinical testing. Allele origin: germline.
Comment: The p.R779S variant (also known as c.2337G>T), located in coding exon 9 of the AXIN2 gene, results from a G to T substitution at nucleotide position 2337. The arginine at codon 779 is replaced by serine, an amino acid with dissimilar properties. This amino acid position is conserved. In addition, this alteration is predicted to be tolerated by in silico analysis. Based on the available evidence, the clinical significance of this variant remains unclear.

NM_004655.4(AXIN2):c.2337G>T (p.Arg779Ser)

Gene: AXIN2 (axin 2; minus strand). Cytogenetic location: 17q24.1.
Variant type: single nucleotide variant.
Coding change: c.2337G>T on transcript NM_004655.4 (MANE Select); coding-DNA position 2337, G replaced by T.
Protein change: p.Arg779Ser; replaces arginine 779 with serine.
Molecular consequence: missense variant.
Genome position (GRCh38, 1-based): chr17:65,533,980, C>A on the plus strand (G>T on the coding strand, the complement: AXIN2 is on the minus strand). VCF-style: chr17-65533980-C-A. GRCh37 (hg19) VCF-style: chr17-63530098-C-A.
Other names: c.2142G>T, p.Arg714Ser (NM_001363813.1); short protein forms R779S, R714S.
Identifiers: ClinVar variation 5032559 (VCV005032559.1).